The following is an entry in ClinVar:

NM_130837.3(OPA1):c.211C>G (p.Arg71Gly)

Gene: OPA1 (OPA1 mitochondrial dynamin like GTPase; plus strand). Cytogenetic location: 3q29.
Variant type: single nucleotide variant.
Coding change: c.211C>G on transcript NM_130837.3 (MANE Select); coding-DNA position 211, C replaced by G.
Protein change: p.Arg71Gly; replaces arginine 71 with glycine.
Molecular consequence: missense variant. On other transcripts: 5 prime UTR variant (2).
Genome position (GRCh38, 1-based): chr3:193,614,901, C>G. VCF-style: chr3-193614901-C-G. GRCh37 (hg19) VCF-style: chr3-193332690-C-G.
Other names: c.-162C>G (NM_001354663.2, NM_001354664.2); c.211C>G, p.Arg71Gly (NM_015560.3, NM_130831.3, NM_130832.3 and 4 more transcripts); short protein forms R71G.
Identifiers: ClinVar variation 4797264 (VCV004797264.1).

ClinVar aggregate classification (germline): Uncertain significance (1 of 4 stars; one submission).

gnomAD v4.1: 2 of 1,613,888 alleles (0.00012%); highest among the groups gnomAD compares: Non-Finnish European, 0.00017%; no homozygotes.

Submission:

Labcorp Genetics (formerly Invitae), Labcorp
Classification: Uncertain significance. Last evaluated: 2025-03-13. Review status: criteria provided, single submitter. Criteria: Invitae Variant Classification Sherloc (09022015). Collection method: clinical testing. Allele origin: germline.
Comment: This sequence change replaces arginine, which is basic and polar, with glycine, which is neutral and non-polar, at codon 71 of the OPA1 protein (p.Arg71Gly). This variant is not present in population databases (gnomAD no frequency). This variant has not been reported in the literature in individuals affected with OPA1-related conditions. Invitae Evidence Modeling of protein sequence and biophysical properties (such as structural, functional, and spatial information, amino acid conservation, physicochemical variation, residue mobility, and thermodynamic stability) indicates that this missense variant is not expected to disrupt OPA1 protein function with a negative predictive value of 80%. Algorithms developed to predict the effect of sequence changes on RNA splicing suggest that this variant may disrupt the consensus splice site. In summary, the available evidence is currently insufficient to determine the role of this variant in disease. Therefore, it has been classified as a Variant of Uncertain Significance.